The following is an entry in ClinVar:

ClinVar aggregate classification (germline): Pathogenic (1 of 4 stars; one submission).

Conditions:
Fanconi anemia complementation group A (FANCA). Also called: Fanconi anemia, group A; FANCA-Related Fanconi Anemia. Identifiers: Orphanet 84, MedGen C3469521, MONDO:0009215, OMIM 227650.

Submission:

Myriad Genetics, Inc.
Classification: Pathogenic for Fanconi anemia complementation group A. Last evaluated: 2026-03-11. Review status: criteria provided, single submitter. Criteria: Myriad Autosomal Dominant, Autosomal Recessive and X-Linked Classification Criteria (2023). Collection method: clinical testing. Allele origin: unknown.
Comment: NM_000135.2(FANCA):c.255delC(Y86Mfs*9) is expected to be pathogenic in the context of Fanconi anemia complementation group A. This variant is predicted to lead to an abnormal or absent protein product due to the creation of a premature termination codon in FANCA, a gene where loss-of-function variants are known to be pathogenic. Please note: this variant was assessed in the context of healthy population screening.

NM_000135.4(FANCA):c.255del (p.Tyr86fs)

Gene: FANCA (FA complementation group A; minus strand). Cytogenetic location: 16q24.3.
Variant type: Deletion.
Coding change: c.255del on transcript NM_000135.4 (MANE Select); coding-DNA position 255, one base deleted (C; older notation c.255delC).
Protein change: p.Tyr86fs; shifts the reading frame from tyrosine 86.
Molecular consequence: frameshift variant.
Genome position (GRCh38, 1-based): chr16:89,814,548, G deleted on the plus strand (C on the coding strand, the reverse complement: FANCA is on the minus strand); the first of 2 consecutive G bases (chr16:89,814,548-89,814,549); deleting either gives the same sequence. VCF-style (leftmost placement, unchanged base first): chr16-89814547-AG-A. GRCh37 (hg19) VCF-style: chr16-89880955-AG-A.
Other names: c.255del, p.Tyr86fs (NM_001018112.3, NM_001286167.3, NM_001351830.2); short protein forms Y86fs.
Identifiers: ClinVar variation 5015664 (VCV005015664.1).